The following is an entry in ClinVar:

ClinVar aggregate classification (germline): Uncertain significance. Review status: criteria provided, single submitter (1 of 4 stars). 2 submissions from 2 submitters: Uncertain significance (1). 1 of the submissions does not count toward it. Last evaluated 2024-04-25.

Conditions:
Fanconi anemia (FA). Also called: Fanconi's anemia. Identifiers: Orphanet 84, MedGen C0015625, MeSH D005199, MONDO:0019391.

Submissions (2):

Labcorp Genetics (formerly Invitae), Labcorp
Classification: Uncertain significance for Fanconi anemia. Last evaluated: 2024-04-25. Review status: criteria provided, single submitter. Criteria: Invitae Variant Classification Sherloc (09022015). Collection method: clinical testing. Allele origin: germline.
Comment: This sequence change replaces isoleucine, which is neutral and non-polar, with serine, which is neutral and polar, at codon 89 of the FANCC protein (p.Ile89Ser). This variant is not present in population databases (gnomAD no frequency). This variant has not been reported in the literature in individuals affected with FANCC-related conditions. ClinVar contains an entry for this variant (Variation ID: 1061866). Advanced modeling of protein sequence and biophysical properties (such as structural, functional, and spatial information, amino acid conservation, physicochemical variation, residue mobility, and thermodynamic stability) performed at Invitae indicates that this missense variant is not expected to disrupt FANCC protein function with a negative predictive value of 80%. In summary, the available evidence is currently insufficient to determine the role of this variant in disease. Therefore, it has been classified as a Variant of Uncertain Significance.

Natera, Inc.
Classification: Uncertain significance for Fanconi anemia. Last evaluated: 2020-07-05. Review status: no assertion criteria provided. Collection method: clinical testing. Allele origin: germline. Not counted in ClinVar's aggregate classification.

NM_000136.3(FANCC):c.266T>G (p.Ile89Ser)

Gene: FANCC (FA complementation group C; minus strand). Cytogenetic location: 9q22.32.
Variant type: single nucleotide variant.
Coding change: c.266T>G on transcript NM_000136.3 (MANE Select); coding-DNA position 266, T replaced by G.
Protein change: p.Ile89Ser; replaces isoleucine 89 with serine.
Molecular consequence: missense variant.
Genome position (GRCh38, 1-based): chr9:95,240,728, A>C on the plus strand (T>G on the coding strand, the complement: FANCC is on the minus strand). VCF-style: chr9-95240728-A-C. GRCh37 (hg19) VCF-style: chr9-98003010-A-C.
Other names: c.266T>G, p.Ile89Ser (NM_001243743.2, NM_001243744.2); short protein forms I89S.
Identifiers: ClinVar variation 1061866 (VCV001061866.13), dbSNP rs2136049598, ClinGen allele CA374339461.